The following is an entry in ClinVar:

ClinVar aggregate classification (germline): Pathogenic. Review status: criteria provided, multiple submitters, no conflicts (2 of 4 stars). 2 submissions from 2 submitters: Pathogenic (2). Last evaluated 2024-07-25.

Conditions:
Ataxia-telangiectasia syndrome (AT). Also called: LOUIS-BAR SYNDROME; Cerebello-oculocutaneous telangiectasia; Immunodeficiency with ataxia telangiectasia; Ataxia-telangiectasia, complementation group D; AT, COMPLEMENTATION GROUP C; Ataxia-telangiectasia, complementation group E. Identifiers: Orphanet 100, MedGen C0004135, MONDO:0008840, OMIM 208900.

Submissions (2):

Labcorp Genetics (formerly Invitae), Labcorp
Classification: Pathogenic for Ataxia-telangiectasia syndrome. Last evaluated: 2024-07-25. Review status: criteria provided, single submitter. Criteria: Invitae Variant Classification Sherloc (09022015). Collection method: clinical testing. Allele origin: germline.
Comment: This sequence change creates a premature translational stop signal (p.Arg2136Lysfs*10) in the ATM gene. It is expected to result in an absent or disrupted protein product. Loss-of-function variants in ATM are known to be pathogenic (PMID: 23807571, 25614872). This variant is not present in population databases (gnomAD no frequency). This premature translational stop signal has been observed in individual(s) with breast and/or ovarian cancer (PMID: 33646313). ClinVar contains an entry for this variant (Variation ID: 453629). Algorithms developed to predict the effect of sequence changes on RNA splicing suggest that this variant may disrupt the consensus splice site. For these reasons, this variant has been classified as Pathogenic.

Mendelics
Classification: Pathogenic for Ataxia-telangiectasia syndrome. Last evaluated: 2018-07-02. Review status: criteria provided, single submitter. Criteria: Mendelics Assertion Criteria 2017. Collection method: clinical testing. Allele origin: unknown.

Literature cited by the submitters: PubMed 23807571 (cited by Labcorp Genetics (formerly Invitae), Labcorp); PubMed 25614872 (cited by Labcorp Genetics (formerly Invitae), Labcorp); PubMed 33646313 (cited by Labcorp Genetics (formerly Invitae), Labcorp).

NM_000051.4(ATM):c.6404dup (p.Arg2136fs)

Genes: C11orf65 (chromosome 11 open reading frame 65; minus strand), ATM (ATM serine/threonine kinase; plus strand). Cytogenetic location: 11q22.3.
Variant type: Duplication.
Coding change: c.6404dup on transcript NM_000051.4 (MANE Select); coding-DNA position 6404, one base duplicated (T; older notation c.6404dupT).
Protein change: p.Arg2136fs; shifts the reading frame from arginine 2136.
Molecular consequence: frameshift variant. On other transcripts: intron variant (2).
Genome position (GRCh38, 1-based): chr11:108,320,010, T duplicated. VCF-style (leftmost placement, unchanged base first): chr11-108320009-C-CT. GRCh37 (hg19) VCF-style: chr11-108190736-C-CT.
Other names: c.6404dup, p.Arg2136fs (NM_001351834.2); c.641-10939dup (NM_001330368.2); c.*39-10939dup (NM_001351110.2); c.6404dupT (NM_000051.3); short protein forms R2136fs.
Identifiers: ClinVar variation 453629 (VCV000453629.9), dbSNP rs587782554, ClinGen allele CA658656227.